The following is an entry in ClinVar:

NM_201384.3(PLEC):c.5710A>C (p.Ser1904Arg)

Gene: PLEC (plectin; minus strand). Cytogenetic location: 8q24.3.
Variant type: single nucleotide variant.
Coding change: c.5710A>C on transcript NM_201384.3 (MANE Select); coding-DNA position 5710, A replaced by C.
Protein change: p.Ser1904Arg; replaces serine 1904 with arginine.
Molecular consequence: missense variant.
Genome position (GRCh38, 1-based): chr8:143,924,219, T>G on the plus strand (A>C on the coding strand, the complement: PLEC is on the minus strand). VCF-style: chr8-143924219-T-G. GRCh37 (hg19) VCF-style: chr8-144998387-T-G.
Other names: c.5791A>C, p.Ser1931Arg (NM_000445.5); c.5668A>C, p.Ser1890Arg (NM_201378.4); c.5644A>C, p.Ser1882Arg (NM_201379.3); c.6121A>C, p.Ser2041Arg (NM_201380.4); c.5614A>C, p.Ser1872Arg (NM_201381.3); c.5710A>C, p.Ser1904Arg (NM_201382.4); c.5722A>C, p.Ser1908Arg (NM_201383.3); short protein forms S1872R, S1882R, S1890R, S1904R, S1908R, S1931R, S2041R.
Identifiers: ClinVar variation 1718147 (VCV001718147.6), dbSNP rs2537866615, ClinGen allele CA372542244.

ClinVar aggregate classification (germline): Uncertain significance (1 of 4 stars; one submission).

Conditions:
Epidermolysis bullosa simplex 5C, with pyloric atresia (EBS5C). Also called: PLEC-Related Epidermolysis Bullosa with Pyloric Atresia; Epidermolysis bullosa simplex with pyloric atresia; PLEC1-Related Epidermolysis Bullosa with Pyloric Atresia. Identifiers: Orphanet 158684, MedGen C2677349, MONDO:0012807, OMIM 612138.
Autosomal recessive limb-girdle muscular dystrophy type 2Q (LGMDR17). Also called: MUSCULAR DYSTROPHY, LIMB-GIRDLE, AUTOSOMAL RECESSIVE 17. Identifiers: Orphanet 254361, MedGen C3150989, MONDO:0013390, OMIM 613723.
Epidermolysis bullosa simplex 5B, with muscular dystrophy (EBS5B). Also called: Epidermolysis bullosa simplex with muscular dystrophy; EPIDERMOLYSIS BULLOSA SIMPLEX AND LIMB-GIRDLE MUSCULAR DYSTROPHY. Identifiers: Orphanet 257, MedGen C2931072, MONDO:0009181, OMIM 226670.
Epidermolysis bullosa simplex, Ogna type (EBS5A). Also called: EPIDERMOLYSIS BULLOSA SIMPLEX 5A, OGNA TYPE; Pidermolysis bullosa simplex 5A, Ogna type. Identifiers: Orphanet 79401, MedGen C0432317, MONDO:0007555, OMIM 131950.
Epidermolysis bullosa simplex with nail dystrophy (EBS5D). Identifiers: MedGen C4225309, MONDO:0014661, OMIM 616487.

Submission:

Labcorp Genetics (formerly Invitae), Labcorp
Classification: Uncertain significance for Autosomal recessive limb-girdle muscular dystrophy type 2Q; Epidermolysis bullosa simplex, Ogna type; Epidermolysis bullosa simplex with nail dystrophy; Epidermolysis bullosa simplex 5C, with pyloric atresia; Epidermolysis bullosa simplex 5B, with muscular dystrophy. Last evaluated: 2024-10-28. Review status: criteria provided, single submitter. Criteria: Invitae Variant Classification Sherloc (09022015). Collection method: clinical testing. Allele origin: germline.
Comment: This sequence change replaces serine, which is neutral and polar, with arginine, which is basic and polar, at codon 1931 of the PLEC protein (p.Ser1931Arg). This variant is not present in population databases (gnomAD no frequency). This variant has not been reported in the literature in individuals affected with PLEC-related conditions. ClinVar contains an entry for this variant (Variation ID: 1718147). Experimental studies and prediction algorithms are not available or were not evaluated, and the functional significance of this variant is currently unknown. In summary, the available evidence is currently insufficient to determine the role of this variant in disease. Therefore, it has been classified as a Variant of Uncertain Significance.